The following is an entry in ClinVar:

ClinVar aggregate classification (germline): Conflicting classifications of pathogenicity. Review status: criteria provided, conflicting classifications (1 of 4 stars). 5 submissions from 5 submitters: Likely pathogenic (1); Uncertain significance (3); Benign (1). Last evaluated 2026-01-13.

Conditions:
Hypertriglyceridemia. Also called: Hypertriglyceridaemia. Identifiers: MedGen C0813230, MONDO:0005347, HP:0002155.
FASTING PLASMA GLUCOSE LEVEL QUANTITATIVE TRAIT LOCUS 5 (FGQTL5). Identifiers: MedGen C3150714, OMIM 613463.

Allele frequency attached by ClinVar (database versions not stated): ESP Exome Variant Server 0.00008; gnomAD exomes 0.00087 and 0.00268; gnomAD 0.00151 and 0.00165; ExAC 0.00228; TOPMed 0.00283; 1000 Genomes Project 30x 0.00422; 1000 Genomes Project 0.00439.
gnomAD v4.1: 1,533 of 1,613,632 alleles (0.095%); highest among the groups gnomAD compares: Admixed American, 1.4%; 10 homozygotes.

Submissions (5):

Labcorp Genetics (formerly Invitae), Labcorp
Classification: Benign. Last evaluated: 2026-01-13. Review status: criteria provided, single submitter. Criteria: Invitae Variant Classification Sherloc (09022015). Collection method: clinical testing. Allele origin: germline.

CeGaT Center for Human Genetics Tuebingen
Classification: Uncertain significance. Last evaluated: 2025-09-01. Review status: criteria provided, single submitter. Criteria: CeGaT Center For Human Genetics Tuebingen Variant Classification Criteria Version 2. Collection method: clinical testing. Allele origin: germline. Affected: yes. Observed: 1 variant allele.
Comment: GCKR: PS3:Supporting

Mendelics
Classification: Uncertain significance. Last evaluated: 2022-05-04. Review status: criteria provided, single submitter. Criteria: Mendelics Assertion Criteria 2019. Collection method: clinical testing. Allele origin: germline.

Soonchunhyang University Bucheon Hospital, Soonchunhyang University Medical Center
Classification: Likely pathogenic for FASTING PLASMA GLUCOSE LEVEL QUANTITATIVE TRAIT LOCUS 5. Last evaluated: 2016-03-18. Review status: criteria provided, single submitter. Criteria: ACMG Guidelines, 2015. Collection method: reference population. Allele origin: germline. Observed: 1 variant allele.

Broad Center for Mendelian Genomics, Broad Institute of MIT and Harvard
Classification: Uncertain significance for Hypertriglyceridaemia. Review status: criteria provided, single submitter. Criteria: ACMG Guidelines, 2015. Collection method: research. Allele origin: germline. Affected: yes.
Comment: The heterozygous p.Val103Met variant in GCKR has been identified in 2 individuals with hypertriglyceridaemia (PMID: 22182842), but has also been identified in >1% of Latino chromosomes and 3 homozygotes by ExAC. In vitro functional studies provide some evidence that the p.Val103Met variant may impact protein function (PMID: 22182842). However, these types of assays may not accurately represent biological function. In summary, the clinical significance of this variant is uncertain.

Literature cited by the submitters: PubMed 22182842 (cited by Soonchunhyang University Bucheon Hospital, Soonchunhyang University Medical Center and Broad Center for Mendelian Genomics, Broad Institute of MIT and Harvard).

NM_001486.4(GCKR):c.307G>A (p.Val103Met)

Gene: GCKR (glucokinase regulator; plus strand). Cytogenetic location: 2p23.3.
Variant type: single nucleotide variant.
Coding change: c.307G>A on transcript NM_001486.4 (MANE Select); coding-DNA position 307, G replaced by A.
Protein change: p.Val103Met; replaces valine 103 with methionine.
Molecular consequence: missense variant.
Genome position (GRCh38, 1-based): chr2:27,498,276, G>A. VCF-style: chr2-27498276-G-A. GRCh37 (hg19) VCF-style: chr2-27721143-G-A.
Other names: short protein forms V103M.
Identifiers: ClinVar variation 225370 (VCV000225370.18), dbSNP rs146175795, ClinGen allele CA1581517.